The following is an entry in ClinVar:

ClinVar aggregate classification (germline): Uncertain significance. Review status: criteria provided, multiple submitters, no conflicts (2 of 4 stars). 3 submissions from 3 submitters: Uncertain significance (3). Last evaluated 2025-02-24.

Conditions:
Hypogonadotropic hypogonadism 2 with or without anosmia (HH2). Also called: HYPOGONADOTROPIC HYPOGONADISM 2 WITHOUT ANOSMIA; FGFR1-Related GnRH Deficiency (Kallmann Syndrome 2); HYPOGONADOTROPIC HYPOGONADISM 2 WITH OR WITHOUT ANOSMIA, SUSCEPTIBILITY TO; HYPOGONADOTROPIC HYPOGONADISM 2 WITHOUT ANOSMIA, SUSCEPTIBILITY TO. Identifiers: Orphanet 478, MedGen C1563720, MONDO:0007844, OMIM 147950. Disease mechanism: loss of function.
Pfeiffer syndrome (ACS5). Also called: ACS V. Identifiers: Orphanet 710, MedGen C0220658, MONDO:0007043, OMIM 101600.
Osteoglophonic dysplasia (OGD). Also called: Osteoglophonic dwarfism. Identifiers: Orphanet 2645, MedGen C0432283, MONDO:0008150, OMIM 166250.
Hartsfield-Bixler-Demyer syndrome (HRTFDS). Also called: Holoprosencephaly, ectrodactyly, and bilateral cleft lip/palate; Hartsfield syndrome; FGFR1-Related Hartsfield Syndrome. Identifiers: Orphanet 2117, MedGen C1845146, MONDO:0014196, OMIM 615465. Disease mechanism: loss of function.
Trigonocephaly 1 (TRIGNO1). Identifiers: Orphanet 3366, MedGen C0432122, MONDO:0008603, OMIM 190440.
Encephalocraniocutaneous lipomatosis (ECCL). Identifiers: Orphanet 2396, MedGen C0406612, MONDO:0013074, OMIM 613001.
Jackson-Weiss syndrome (JWS). Also called: CRANIOSYNOSTOSIS, MIDFACIAL HYPOPLASIA, AND FOOT ABNORMALITIES. Identifiers: Orphanet 1540, MedGen C0795998, MONDO:0007400, OMIM 123150. Disease mechanism: loss of function.

Allele frequency attached by ClinVar (database versions not stated): TOPMed below 0.00001; ExAC 0.00001; gnomAD 0.00002.

Submissions (3):

Labcorp Genetics (formerly Invitae), Labcorp
Classification: Uncertain significance for Pfeiffer syndrome; Hypogonadotropic hypogonadism 2 with or without anosmia. Last evaluated: 2025-02-24. Review status: criteria provided, single submitter. Criteria: Invitae Variant Classification Sherloc (09022015). Collection method: clinical testing. Allele origin: germline.
Comment: This sequence change replaces arginine, which is basic and polar, with cysteine, which is neutral and slightly polar, at codon 821 of the FGFR1 protein (p.Arg821Cys). This variant is present in population databases (rs768736835, gnomAD 0.0009%). This variant has not been reported in the literature in individuals affected with FGFR1-related conditions. ClinVar contains an entry for this variant (Variation ID: 2139031). Invitae Evidence Modeling of protein sequence and biophysical properties (such as structural, functional, and spatial information, amino acid conservation, physicochemical variation, residue mobility, and thermodynamic stability) has been performed for this missense variant. However, the output from this modeling did not meet the statistical confidence thresholds required to predict the impact of this variant on FGFR1 protein function. In summary, the available evidence is currently insufficient to determine the role of this variant in disease. Therefore, it has been classified as a Variant of Uncertain Significance.

Fulgent Genetics
Classification: Uncertain significance for Pfeiffer syndrome; Jackson-Weiss syndrome; Hypogonadotropic hypogonadism 2 with or without anosmia; Osteoglophonic dysplasia; Trigonocephaly 1; Encephalocraniocutaneous lipomatosis; Hartsfield-Bixler-Demyer syndrome. Last evaluated: 2024-05-22. Review status: criteria provided, single submitter. Criteria: ACMG Guidelines, 2015. Collection method: clinical testing. Allele origin: germline.

Dr. med. U. Finckh, Human Genetics, Eurofins MVZ
Classification: Uncertain significance for Hypogonadotropic hypogonadism 2 with or without anosmia. Last evaluated: 2019-04-09. Review status: criteria provided, single submitter. Criteria: ACMG Guidelines, 2015. Collection method: clinical testing. Allele origin: paternal.

NM_023110.3(FGFR1):c.2461C>T (p.Arg821Cys)

Gene: FGFR1 (fibroblast growth factor receptor 1; minus strand). Cytogenetic location: 8p11.23.
Variant type: single nucleotide variant.
Coding change: c.2461C>T on transcript NM_023110.3 (MANE Select); coding-DNA position 2461, C replaced by T.
Protein change: p.Arg821Cys; replaces arginine 821 with cysteine.
Molecular consequence: missense variant. On other transcripts: intron variant (3).
Genome position (GRCh38, 1-based): chr8:38,413,636, G>A on the plus strand (C>T on the coding strand, the complement: FGFR1 is on the minus strand). VCF-style: chr8-38413636-G-A. GRCh37 (hg19) VCF-style: chr8-38271154-G-A.
Other names: c.2461C>T, p.Arg821Cys (NM_000604.2); c.2455C>T, p.Arg819Cys (NM_001174063.2, NM_001174065.2, NM_015850.4); c.2431C>T, p.Arg811Cys (NM_001174064.2); c.2194C>T, p.Arg732Cys (NM_001174066.2, NM_023105.3); c.2554C>T, p.Arg852Cys (NM_001174067.2); c.2182C>T, p.Arg728Cys (NM_001354368.2); c.2449C>T, p.Arg817Cys (NM_001410922.1); c.2188C>T, p.Arg730Cys (NM_023106.3); and 3 more; short protein forms R817C, R821C, R728C, R811C, R852C, R730C, R732C, R819C.
Identifiers: ClinVar variation 2139031 (VCV002139031.6), dbSNP rs768736835, ClinGen allele CA4718067.